The following is an entry in ClinVar:

ClinVar aggregate classification (germline): Uncertain significance (1 of 4 stars; one submission).

Conditions:
Early Myoclonic Encephalopathy. Identifiers: MedGen C0270855.

gnomAD v4.1: 4 of 1,614,014 alleles (0.00025%); highest among the groups gnomAD compares: Non-Finnish European, 0.00034%; no homozygotes.

Submission:

Labcorp Genetics (formerly Invitae), Labcorp
Classification: Uncertain significance for Early Myoclonic Encephalopathy. Last evaluated: 2024-05-27. Review status: criteria provided, single submitter. Criteria: Invitae Variant Classification Sherloc (09022015). Collection method: clinical testing. Allele origin: germline.
Comment: This sequence change replaces alanine, which is neutral and non-polar, with valine, which is neutral and non-polar, at codon 2395 of the JMJD1C protein (p.Ala2395Val). This variant is not present in population databases (gnomAD no frequency). This variant has not been reported in the literature in individuals affected with JMJD1C-related conditions. Advanced modeling of protein sequence and biophysical properties (such as structural, functional, and spatial information, amino acid conservation, physicochemical variation, residue mobility, and thermodynamic stability) performed at Invitae indicates that this missense variant is not expected to disrupt JMJD1C protein function with a negative predictive value of 80%. In summary, the available evidence is currently insufficient to determine the role of this variant in disease. Therefore, it has been classified as a Variant of Uncertain Significance.

NM_032776.3(JMJD1C):c.7184C>T (p.Ala2395Val)

Gene: JMJD1C (jumonji domain containing 1C; minus strand). Cytogenetic location: 10q21.3.
Variant type: single nucleotide variant.
Coding change: c.7184C>T on transcript NM_032776.3 (MANE Select); coding-DNA position 7184, C replaced by T.
Protein change: p.Ala2395Val; replaces alanine 2395 with valine.
Molecular consequence: missense variant. On other transcripts: non-coding transcript variant (1).
Genome position (GRCh38, 1-based): chr10:63,177,757, G>A on the plus strand (C>T on the coding strand, the complement: JMJD1C is on the minus strand). VCF-style: chr10-63177757-G-A. GRCh37 (hg19) VCF-style: chr10-64937517-G-A.
Other names: c.6638C>T, p.Ala2213Val (NM_001282948.2, NM_001318154.2); c.6320C>T, p.Ala2107Val (NM_001318153.2); c.7070C>T, p.Ala2357Val (NM_001322252.2); c.6527C>T, p.Ala2176Val (NM_001322254.2, NM_001322258.2); short protein forms A2176V, A2213V, A2357V, A2395V, A2107V.
Identifiers: ClinVar variation 3671475 (VCV003671475.2).